The following is an entry in ClinVar:

NM_001903.5(CTNNA1):c.106-1G>T

Gene: CTNNA1 (catenin alpha 1; plus strand). Cytogenetic location: 5q31.2.
Variant type: single nucleotide variant.
Coding change: c.106-1G>T on transcript NM_001903.5 (MANE Select); the canonical splice acceptor site of the intron before coding-DNA position 106, G replaced by T.
Molecular consequence: splice acceptor variant. On other transcripts: intron variant (1).
Genome position (GRCh38, 1-based): chr5:138,783,176, G>T. VCF-style: chr5-138783176-G-T. GRCh37 (hg19) VCF-style: chr5-138118865-G-T.
Other names: c.106-1G>T (NM_001323982.2, NM_001323984.2, NM_001290307.3 and 3 more transcripts); c.-101-1G>T (NM_001290310.3); c.-9+1147G>T (NM_001290309.3).
Identifiers: ClinVar variation 1494083 (VCV001494083.6), dbSNP rs2149655974, ClinGen allele CA361477257.

ClinVar aggregate classification (germline): Likely pathogenic (1 of 4 stars; one submission).

gnomAD v4.1: 1 of 1,582,200 alleles (0.000063%); highest among the groups gnomAD compares: East Asian, 0.0022%; no homozygotes.

Submission:

Labcorp Genetics (formerly Invitae), Labcorp
Classification: Likely pathogenic. Last evaluated: 2023-06-13. Review status: criteria provided, single submitter. Criteria: Invitae Variant Classification Sherloc (09022015). Collection method: clinical testing. Allele origin: germline.
Comment: ClinVar contains an entry for this variant (Variation ID: 1494083). This variant has not been reported in the literature in individuals affected with CTNNA1-related conditions. This variant is not present in population databases (gnomAD no frequency). This sequence change affects an acceptor splice site in intron 2 of the CTNNA1 gene. It is expected to disrupt RNA splicing. Variants that disrupt the donor or acceptor splice site typically lead to a loss of protein function (PMID: 16199547), and loss-of-function variants in CTNNA1 are known to be pathogenic (PMID: 32051609, 34425242). Algorithms developed to predict the effect of sequence changes on RNA splicing suggest that this variant may disrupt the consensus splice site. In summary, the currently available evidence indicates that the variant is pathogenic, but additional data are needed to prove that conclusively. Therefore, this variant has been classified as Likely Pathogenic.

Literature cited by the submitters: PubMed 16199547; PubMed 32051609; PubMed 34425242.